The following is an entry in ClinVar:

ClinVar aggregate classification (germline): Uncertain significance (1 of 4 stars; one submission).

Submission:

Labcorp Genetics (formerly Invitae), Labcorp
Classification: Uncertain significance. Last evaluated: 2024-02-25. Review status: criteria provided, single submitter. Criteria: Invitae Variant Classification Sherloc (09022015). Collection method: clinical testing. Allele origin: germline.
Comment: This sequence change replaces methionine, which is neutral and non-polar, with valine, which is neutral and non-polar, at codon 518 of the TOP2B protein (p.Met518Val). This variant is not present in population databases (gnomAD no frequency). This variant has not been reported in the literature in individuals affected with TOP2B-related conditions. An algorithm developed to predict the effect of missense changes on protein structure and function (PolyPhen-2) suggests that this variant is likely to be tolerated. In summary, the available evidence is currently insufficient to determine the role of this variant in disease. Therefore, it has been classified as a Variant of Uncertain Significance.

NM_001330700.2(TOP2B):c.1567A>G (p.Met523Val)

Gene: TOP2B (DNA topoisomerase II beta; minus strand). Cytogenetic location: 3p24.2.
Variant type: single nucleotide variant.
Coding change: c.1567A>G on transcript NM_001330700.2 (MANE Select); coding-DNA position 1567, A replaced by G.
Protein change: p.Met523Val; replaces methionine 523 with valine.
Molecular consequence: missense variant.
Genome position (GRCh38, 1-based): chr3:25,630,151, T>C on the plus strand (A>G on the coding strand, the complement: TOP2B is on the minus strand). VCF-style: chr3-25630151-T-C. GRCh37 (hg19) VCF-style: chr3-25671642-T-C.
Other names: c.1552A>G, p.Met518Val (NM_001068.3); short protein forms M518V, M523V.
Identifiers: ClinVar variation 3643313 (VCV003643313.2).
Genomic context (GRCh38, chr3:25,630,151, plus strand): 5'-AACTTTTCTTATATTGTAGACCAACTATTTTAATAATATTATTTATTTCAGCATTTTCCA[T>C]GATCTGTTCAAAAAGGAAAAGCACTGAGAGTAGTTTGAAGTGTTGAAATATACGAGTCAG-3'
Protein context (NP_001317629.1, residues 513-533): NVREASHKQI[Met523Val]ENAEINNIIK